The following is an entry in ClinVar:

ClinVar aggregate classification (germline): Uncertain significance. Review status: criteria provided, multiple submitters, no conflicts (2 of 4 stars). 2 submissions from 2 submitters: Uncertain significance (2). Last evaluated 2025-01-06.

Conditions:
POLD1-related polyposis and colorectal cancer syndrome (CRCS10). Also called: COLORECTAL CANCER, SUSCEPTIBILITY TO, ON CHROMOSOME 19q; Colorectal cancer 10; Colorectal cancer, susceptibility to, 10. Identifiers: Orphanet 220460, MedGen C2675481, MONDO:0012953, OMIM 612591.
Hereditary cancer-predisposing syndrome. Also called: Neoplastic Syndromes, Hereditary; Tumor predisposition; Hereditary neoplastic syndrome; Hereditary Cancer Syndrome. Identifiers: Orphanet 140162, MedGen C0027672, MeSH D009386, MONDO:0015356.

Allele frequency attached by ClinVar (database versions not stated): gnomAD exomes below 0.00001.
gnomAD v4.1: 1 of 1,613,110 alleles (0.000062%); highest among the groups gnomAD compares: Non-Finnish European, 0.000085%; no homozygotes.

Submissions (2):

Labcorp Genetics (formerly Invitae), Labcorp
Classification: Uncertain significance for POLD1-related polyposis and colorectal cancer syndrome. Last evaluated: 2025-01-06. Review status: criteria provided, single submitter. Criteria: Invitae Variant Classification Sherloc (09022015). Collection method: clinical testing. Allele origin: germline.
Comment: This sequence change replaces glycine, which is neutral and non-polar, with glutamic acid, which is acidic and polar, at codon 114 of the POLD1 protein (p.Gly114Glu). This variant is not present in population databases (gnomAD no frequency). This variant has not been reported in the literature in individuals affected with POLD1-related conditions. ClinVar contains an entry for this variant (Variation ID: 1731248). An algorithm developed to predict the effect of missense changes on protein structure and function (PolyPhen-2) suggests that this variant is likely to be tolerated. In summary, the available evidence is currently insufficient to determine the role of this variant in disease. Therefore, it has been classified as a Variant of Uncertain Significance.

Ambry Genetics
Classification: Uncertain significance for Hereditary cancer-predisposing syndrome. Last evaluated: 2021-11-22. Review status: criteria provided, single submitter. Criteria: Ambry Variant Classification Scheme 2023. Collection method: clinical testing. Allele origin: germline.
Comment: The p.G114E variant (also known as c.341G>A), located in coding exon 3 of the POLD1 gene, results from a G to A substitution at nucleotide position 341. The glycine at codon 114 is replaced by glutamic acid, an amino acid with similar properties. This amino acid position is conserved. In addition, this alteration is predicted to be tolerated by in silico analysis. Since supporting evidence is limited at this time, the clinical significance of this alteration remains unclear.

NM_002691.4(POLD1):c.341G>A (p.Gly114Glu)

Gene: POLD1 (DNA polymerase delta 1, catalytic subunit; plus strand). Cytogenetic location: 19q13.33.
Variant type: single nucleotide variant.
Coding change: c.341G>A on transcript NM_002691.4 (MANE Select); coding-DNA position 341, G replaced by A.
Protein change: p.Gly114Glu; replaces glycine 114 with glutamic acid.
Molecular consequence: missense variant. On other transcripts: non-coding transcript variant (1).
Genome position (GRCh38, 1-based): chr19:50,401,802, G>A. VCF-style: chr19-50401802-G-A. GRCh37 (hg19) VCF-style: chr19-50905059-G-A.
Other names: c.341G>A, p.Gly114Glu (NM_001256849.1, NM_001308632.1); short protein forms G114E.
Identifiers: ClinVar variation 1731248 (VCV001731248.5), dbSNP rs2513955059, ClinGen allele CA406972156.